The following is an entry in ClinVar:

ClinVar aggregate classification (germline): Uncertain significance (1 of 4 stars; one submission).

Allele frequency attached by ClinVar (database versions not stated): 1000 Genomes Project 30x 0.00016.
gnomAD v4.1: 7 of 1,550,910 alleles (0.00045%); highest among the groups gnomAD compares: South Asian, 0.0035%; no homozygotes.

Submission:

Labcorp Genetics (formerly Invitae), Labcorp
Classification: Uncertain significance. Last evaluated: 2022-06-04. Review status: criteria provided, single submitter. Criteria: Invitae Variant Classification Sherloc (09022015). Collection method: clinical testing. Allele origin: germline.
Comment: This sequence change replaces alanine, which is neutral and non-polar, with valine, which is neutral and non-polar, at codon 2 of the COQ6 protein (p.Ala2Val). This variant is not present in population databases (gnomAD no frequency). In summary, the available evidence is currently insufficient to determine the role of this variant in disease. Therefore, it has been classified as a Variant of Uncertain Significance. Algorithms developed to predict the effect of missense changes on protein structure and function output the following: SIFT: "Tolerated"; PolyPhen-2: "Benign"; Align-GVGD: "Class C0". The valine amino acid residue is found in multiple mammalian species, which suggests that this missense change does not adversely affect protein function. ClinVar contains an entry for this variant (Variation ID: 1388573). This variant has not been reported in the literature in individuals affected with COQ6-related conditions.

NM_182476.3(COQ6):c.5C>T (p.Ala2Val)

Gene: COQ6 (coenzyme Q6, monooxygenase; plus strand). Cytogenetic location: 14q24.3.
Variant type: single nucleotide variant.
Coding change: c.5C>T on transcript NM_182476.3 (MANE Select); coding-DNA position 5, C replaced by T.
Protein change: p.Ala2Val; replaces alanine 2 with valine.
Molecular consequence: missense variant. On other transcripts: intron variant (1).
Genome position (GRCh38, 1-based): chr14:73,950,337, C>T. VCF-style: chr14-73950337-C-T. GRCh37 (hg19) VCF-style: chr14-74417040-C-T.
Other names: c.88+157C>T (NM_182480.3); short protein forms A2V.
Identifiers: ClinVar variation 1388573 (VCV001388573.6), dbSNP rs1306863995, ClinGen allele CA390372845.